The following is an entry in ClinVar:

NM_024675.4(PALB2):c.2252C>G (p.Ala751Gly)

Gene: PALB2 (partner and localizer of BRCA2; minus strand). Cytogenetic location: 16p12.2.
Variant type: single nucleotide variant.
Coding change: c.2252C>G on transcript NM_024675.4 (MANE Select); coding-DNA position 2252, C replaced by G.
Protein change: p.Ala751Gly; replaces alanine 751 with glycine.
Molecular consequence: missense variant. On other transcripts: intron variant (1).
Genome position (GRCh38, 1-based): chr16:23,629,902, G>C on the plus strand (C>G on the coding strand, the complement: PALB2 is on the minus strand). VCF-style: chr16-23629902-G-C. GRCh37 (hg19) VCF-style: chr16-23641223-G-C.
Other names: c.1367C>G, p.Ala456Gly (NM_001407306.1, NM_001407307.1, NM_001407308.1 and 5 more transcripts); c.464C>G, p.Ala155Gly (NM_001407312.1, NM_001407313.1); c.2192C>G, p.Ala731Gly (NM_001407296.1); c.2252C>G, p.Ala751Gly (NM_001407297.1, NM_001407298.1, NM_001407299.1 and 3 more transcripts); c.49-627C>G (NM_001407314.1); short protein forms A731G, A155G, A751G, A456G.
Identifiers: ClinVar variation 3303995 (VCV003303995.1).
Genomic context (GRCh38, chr16:23,629,902, plus strand): 5'-CTGGCAAGACAGACTGAGTCTTTCAAATGAGCAAGTTGGGGTGTGCAGCAAGTTCGTCCA[G>C]CAACTTCTGTAGATGCTTTTTCATAGGAGCCTTGAGGGCCAAAGGCTGGAGTAGTACCTA-3'
Protein context (NP_078951.2, residues 741-761): GSYEKASTEV[Ala751Gly]GRTCCTPQLA

ClinVar aggregate classification (germline): Uncertain significance (1 of 4 stars; one submission).

Conditions:
Hereditary cancer-predisposing syndrome. Also called: Tumor predisposition; Hereditary Cancer Syndrome; Hereditary neoplastic syndrome; Neoplastic Syndromes, Hereditary. Identifiers: Orphanet 140162, MedGen C0027672, MeSH D009386, MONDO:0015356.

Submission:

Ambry Genetics
Classification: Uncertain significance for Hereditary cancer-predisposing syndrome. Last evaluated: 2024-04-20. Review status: criteria provided, single submitter. Criteria: Ambry Variant Classification Scheme 2023. Collection method: clinical testing. Allele origin: germline.
Comment: The p.A751G variant (also known as c.2252C>G), located in coding exon 5 of the PALB2 gene, results from a C to G substitution at nucleotide position 2252. The alanine at codon 751 is replaced by glycine, an amino acid with similar properties. This amino acid position is conserved. In addition, this alteration is predicted to be tolerated by in silico analysis. Based on the available evidence, the clinical significance of this variant remains unclear.